The following is an entry in ClinVar:

NM_033028.5(BBS4):c.928T>C (p.Leu310=)

Gene: BBS4 (Bardet-Biedl syndrome 4; plus strand). Cytogenetic location: 15q24.1.
Variant type: single nucleotide variant.
Coding change: c.928T>C on transcript NM_033028.5 (MANE Select); coding-DNA position 928, T replaced by C.
Protein change: p.Leu310=; no amino-acid change (leucine 310 retained).
Molecular consequence: synonymous variant. On other transcripts: non-coding transcript variant (2).
Genome position (GRCh38, 1-based): chr15:72,731,618, T>C. VCF-style: chr15-72731618-T-C. GRCh37 (hg19) VCF-style: chr15-73023959-T-C.
Other names: c.928T>C (NM_033028.4); c.412T>C, p.Leu138= (NM_001252678.2); c.859T>C, p.Leu287= (NM_001320665.2).
Identifiers: ClinVar variation 1078540 (VCV001078540.22), dbSNP rs375714932, ClinGen allele CA7646835.

ClinVar aggregate classification (germline): Likely benign. Review status: criteria provided, multiple submitters, no conflicts (2 of 4 stars). 5 submissions from 5 submitters: Likely benign (4). 1 of the submissions does not count toward it. Last evaluated 2025-07-01.

Conditions:
BBS4-related disorder. Also called: BBS4-related condition.
Bardet-Biedl syndrome (BBS). Identifiers: Orphanet 110, MedGen C0752166, MONDO:0015229.
Bardet-Biedl syndrome 4 (BBS4). Identifiers: Orphanet 110, MedGen C2936864, MONDO:0014433, OMIM 615982.

Allele frequency attached by ClinVar (database versions not stated): gnomAD 0.00003; ExAC 0.00005; gnomAD exomes 0.00005 and 0.00010; TOPMed 0.00005; ESP Exome Variant Server 0.00008.
gnomAD v4.1: 151 of 1,614,084 alleles (0.0094%); highest among the groups gnomAD compares: Non-Finnish European, 0.012%; no homozygotes.

Submissions (5):

CeGaT Center for Human Genetics Tuebingen
Classification: Likely benign. Last evaluated: 2025-07-01. Review status: criteria provided, single submitter. Criteria: CeGaT Center For Human Genetics Tuebingen Variant Classification Criteria Version 2. Collection method: clinical testing. Allele origin: germline. Affected: yes. Observed: 1 variant allele.
Comment: BBS4: BP4, BP7

Labcorp Genetics (formerly Invitae), Labcorp
Classification: Likely benign for Bardet-Biedl syndrome. Last evaluated: 2025-03-18. Review status: criteria provided, single submitter. Criteria: Invitae Variant Classification Sherloc (09022015). Collection method: clinical testing. Allele origin: germline.

Blueprint Genetics
Classification: Likely benign. Last evaluated: 2023-01-16. Review status: criteria provided, single submitter. Criteria: ACMG Guidelines, 2015. Collection method: clinical testing. Allele origin: germline.

Fulgent Genetics
Classification: Likely benign for Bardet-Biedl syndrome 4. Last evaluated: 2021-10-07. Review status: criteria provided, single submitter. Criteria: ACMG Guidelines, 2015. Collection method: clinical testing. Allele origin: unknown.

PreventionGenetics, part of Exact Sciences
Classification: Likely benign for BBS4-related condition. Last evaluated: 2019-09-13. Review status: no assertion criteria provided. Collection method: clinical testing. Allele origin: germline. Not counted in ClinVar's aggregate classification.
Comment: This variant is classified as likely benign based on ACMG/AMP sequence variant interpretation guidelines (Richards et al. 2015 PMID: 25741868, with internal and published modifications).